The following is an entry in ClinVar:

ClinVar aggregate classification (germline): Uncertain significance (1 of 4 stars; one submission).

Conditions:
Carney complex, type 1 (CNC1). Also called: CARNEY COMPLEX, TYPE I; CARNEY MYXOMA-ENDOCRINE COMPLEX. Identifiers: Orphanet 1359, MedGen C2607929, MONDO:0008057, OMIM 160980.

Allele frequency attached by ClinVar (database versions not stated): TOPMed below 0.00001.

Submission:

Labcorp Genetics (formerly Invitae), Labcorp
Classification: Uncertain significance for Carney complex, type 1. Last evaluated: 2022-05-27. Review status: criteria provided, single submitter. Criteria: Invitae Variant Classification Sherloc (09022015). Collection method: clinical testing. Allele origin: germline.
Comment: In summary, the available evidence is currently insufficient to determine the role of this variant in disease. Therefore, it has been classified as a Variant of Uncertain Significance. Algorithms developed to predict the effect of missense changes on protein structure and function (SIFT, PolyPhen-2, Align-GVGD) all suggest that this variant is likely to be tolerated. This variant has not been reported in the literature in individuals affected with PRKAR1A-related conditions. This variant is not present in population databases (gnomAD no frequency). This sequence change replaces glycine, which is neutral and non-polar, with arginine, which is basic and polar, at codon 319 of the PRKAR1A protein (p.Gly319Arg).

NM_002734.5(PRKAR1A):c.955G>A (p.Gly319Arg)

Gene: PRKAR1A (protein kinase cAMP-dependent type I regulatory subunit alpha; plus strand). Cytogenetic location: 17q24.2.
Variant type: single nucleotide variant.
Coding change: c.955G>A on transcript NM_002734.5 (MANE Select); coding-DNA position 955, G replaced by A.
Protein change: p.Gly319Arg; replaces glycine 319 with arginine.
Molecular consequence: missense variant.
Genome position (GRCh38, 1-based): chr17:68,529,983, G>A. VCF-style: chr17-68529983-G-A. GRCh37 (hg19) VCF-style: chr17-66526124-G-A.
Other names: c.955G>A, p.Gly319Arg (NM_001276289.2, NM_001276290.1, NM_001278433.2 and 4 more transcripts); short protein forms G319R.
Identifiers: ClinVar variation 1505915 (VCV001505915.8), dbSNP rs1383730251, ClinGen allele CA400754266.